The following is an entry in ClinVar:

NM_000781.3(CYP11A1):c.868C>T (p.Gln290Ter)

Gene: CYP11A1 (cytochrome P450 family 11 subfamily A member 1; minus strand). Cytogenetic location: 15q24.1.
Variant type: single nucleotide variant.
Coding change: c.868C>T on transcript NM_000781.3 (MANE Select); coding-DNA position 868, C replaced by T.
Protein change: p.Gln290Ter; replaces glutamine 290 with a stop codon.
Molecular consequence: nonsense.
Genome position (GRCh38, 1-based): chr15:74,343,099, G>A on the plus strand (C>T on the coding strand, the complement: CYP11A1 is on the minus strand). VCF-style: chr15-74343099-G-A. GRCh37 (hg19) VCF-style: chr15-74635440-G-A.
Other names: c.394C>T, p.Gln132Ter (NM_001099773.2); short protein forms Q290*, Q132*.
Identifiers: ClinVar variation 3672842 (VCV003672842.2).

ClinVar aggregate classification (germline): Pathogenic. Review status: criteria provided, multiple submitters, no conflicts (2 of 4 stars). 2 submissions from 2 submitters: Pathogenic (2). Last evaluated 2024-10-31.

Conditions:
Congenital adrenal insufficiency with 46, XY sex reversal OR 46,XY disorder of sex development-adrenal insufficiency due to CYP11A1 deficiency. Also called: Congenital adrenal insuffiency with 46, XY sex reversal OR 46,XY disorder of sex development-adrenal insufficiency due to CYP11A1 deficiency; P450scc DEFICIENCY. Identifiers: Orphanet 168558, MedGen C3151055, MONDO:0013400, OMIM 613743.

Submissions (2):

Myriad Genetics, Inc.
Classification: Pathogenic for Congenital adrenal insufficiency with 46, XY sex reversal OR 46,XY disorder of sex development-adrenal insufficiency due to CYP11A1 deficiency. Last evaluated: 2024-10-31. Review status: criteria provided, single submitter. Criteria: Myriad Autosomal Dominant, Autosomal Recessive and X-Linked Classification Criteria (2023). Collection method: clinical testing. Allele origin: unknown.
Comment: NM_000781.2(CYP11A1):c.868C>T(Q290*) is expected to be pathogenic in the context of congenital adrenal hyperplasia, CYP11A1-related. This variant is predicted to lead to an abnormal or absent protein product due to the creation of a premature termination codon in CYP11A1, a gene where loss-of-function variants are known to be pathogenic. Please note: this variant was assessed in the context of healthy population screening.

Labcorp Genetics (formerly Invitae), Labcorp
Classification: Pathogenic. Last evaluated: 2023-09-28. Review status: criteria provided, single submitter. Criteria: Invitae Variant Classification Sherloc (09022015). Collection method: clinical testing. Allele origin: germline.
Comment: For these reasons, this variant has been classified as Pathogenic. This variant has not been reported in the literature in individuals affected with CYP11A1-related conditions. This variant is not present in population databases (gnomAD no frequency). This sequence change creates a premature translational stop signal (p.Gln290*) in the CYP11A1 gene. It is expected to result in an absent or disrupted protein product. Loss-of-function variants in CYP11A1 are known to be pathogenic (PMID: 15507506, 22435390, 27855232, 229968487).

Literature cited by the submitters: PubMed 15507506 (cited by Labcorp Genetics (formerly Invitae), Labcorp); PubMed 22435390 (cited by Labcorp Genetics (formerly Invitae), Labcorp); PubMed 27855232 (cited by Labcorp Genetics (formerly Invitae), Labcorp); PubMed 229968487 (cited by Labcorp Genetics (formerly Invitae), Labcorp).